The following is an entry in ClinVar:

NM_000214.3(JAG1):c.1066C>A (p.Leu356Met)

Gene: JAG1 (jagged canonical Notch ligand 1; minus strand). Cytogenetic location: 20p12.2.
Variant type: single nucleotide variant.
Coding change: c.1066C>A on transcript NM_000214.3 (MANE Select); coding-DNA position 1066, C replaced by A.
Protein change: p.Leu356Met; replaces leucine 356 with methionine.
Molecular consequence: missense variant.
Genome position (GRCh38, 1-based): chr20:10,651,635, G>T on the plus strand (C>A on the coding strand, the complement: JAG1 is on the minus strand). VCF-style: chr20-10651635-G-T. GRCh37 (hg19) VCF-style: chr20-10632283-G-T.
Other names: short protein forms L356M.
Identifiers: ClinVar variation 1471530 (VCV001471530.8), dbSNP rs2122613611, ClinGen allele CA408238752.

ClinVar aggregate classification (germline): Uncertain significance (1 of 4 stars; one submission).

Conditions:
Alagille syndrome due to a JAG1 point mutation. Also called: Alagille Syndrome 1; HEPATIC DUCTULAR HYPOPLASIA, SYNDROMATIC; JAG1-Related Alagille Syndrome. Identifiers: Orphanet 261619, Orphanet 52, MedGen C1956125, MONDO:0016862, OMIM 118450.

Submission:

Labcorp Genetics (formerly Invitae), Labcorp
Classification: Uncertain significance for Alagille syndrome due to a JAG1 point mutation. Last evaluated: 2022-07-11. Review status: criteria provided, single submitter. Criteria: Invitae Variant Classification Sherloc (09022015). Collection method: clinical testing. Allele origin: germline.
Comment: This variant is not present in population databases (gnomAD no frequency). In summary, the available evidence is currently insufficient to determine the role of this variant in disease. Therefore, it has been classified as a Variant of Uncertain Significance. Advanced modeling of protein sequence and biophysical properties (such as structural, functional, and spatial information, amino acid conservation, physicochemical variation, residue mobility, and thermodynamic stability) performed at Invitae indicates that this missense variant is not expected to disrupt JAG1 protein function. ClinVar contains an entry for this variant (Variation ID: 1471530). This variant has not been reported in the literature in individuals affected with JAG1-related conditions. This sequence change replaces leucine, which is neutral and non-polar, with methionine, which is neutral and non-polar, at codon 356 of the JAG1 protein (p.Leu356Met).